The following is an entry in ClinVar:

NM_001384900.1(SEMA3D):c.2127A>G (p.Ser709=)

Genes: SEMA3D (semaphorin 3D; minus strand), LOC126860094 (BRD4-independent group 4 enhancer GRCh37_chr7:84628763-84629962; plus strand). Cytogenetic location: 7q21.11.
Variant type: single nucleotide variant.
Coding change: c.2127A>G on transcript NM_001384900.1 (MANE Select); coding-DNA position 2127, A replaced by G.
Protein change: p.Ser709=; no amino-acid change (serine 709 retained).
Molecular consequence: synonymous variant.
Genome position (GRCh38, 1-based): chr7:84,999,647, T>C on the plus strand (A>G on the coding strand, the complement: SEMA3D is on the minus strand). VCF-style: chr7-84999647-T-C. GRCh37 (hg19) VCF-style: chr7-84628963-T-C.
Other names: c.2127A>G, p.Ser709= (NM_001384901.1, NM_001384902.1, NM_001384903.1 and 1 more transcripts).
Identifiers: ClinVar variation 4980037 (VCV004980037.1).

ClinVar aggregate classification (germline): Likely benign (1 of 4 stars; one submission).

Conditions:
SEMA3D-related disorder. Also called: SEMA3D-related condition.

gnomAD v4.1: 15 of 1,614,086 alleles (0.00093%); highest among the groups gnomAD compares: Middle Eastern, 0.016%; no homozygotes.

Submission:

PreventionGenetics, part of Exact Sciences
Classification: Likely benign for SEMA3D-related condition. Last evaluated: 2026-01-18. Review status: criteria provided, single submitter. Criteria: ACMG Guidelines, 2015. Collection method: clinical testing. Allele origin: germline.
Comment: This variant is classified as likely benign based on ACMG/AMP sequence variant interpretation guidelines (Richards et al. 2015 PMID: 25741868, with internal and published modifications).